The following is an entry in ClinVar:

NM_000051.4(ATM):c.259C>T (p.Gln87Ter)

Gene: ATM (ATM serine/threonine kinase; plus strand). Cytogenetic location: 11q22.3.
Variant type: single nucleotide variant.
Coding change: c.259C>T on transcript NM_000051.4 (MANE Select); coding-DNA position 259, C replaced by T.
Protein change: p.Gln87Ter; replaces glutamine 87 with a stop codon.
Molecular consequence: nonsense.
Genome position (GRCh38, 1-based): chr11:108,229,251, C>T. VCF-style: chr11-108229251-C-T. GRCh37 (hg19) VCF-style: chr11-108099978-C-T.
Other names: c.259C>T, p.Gln87Ter (NM_001351834.2, NM_001351835.2, NM_001351836.2); short protein forms Q87*.
Identifiers: ClinVar variation 3240765 (VCV003240765.2), dbSNP rs2135035580.
Genomic context (GRCh38, chr11:108,229,251, plus strand): 5'-TATATTCAGAAAGAAACAGAATGTCTGAGAATAGCAAAACCAAATGTATCAGCCTCAACA[C>T]AAGCCTCCAGGCAGAAAAAGATGCAGGAAATCAGTAGTTTGGTCAAATACTTCATCAAAT-3'

ClinVar aggregate classification (germline): Pathogenic/Likely pathogenic. Review status: criteria provided, multiple submitters, no conflicts (2 of 4 stars). 2 submissions from 2 submitters: Pathogenic (1); Likely pathogenic (1). Last evaluated 2024-04-27.

Conditions:
Hereditary cancer-predisposing syndrome. Also called: Neoplastic Syndromes, Hereditary; Tumor predisposition; Hereditary neoplastic syndrome; Hereditary Cancer Syndrome. Identifiers: Orphanet 140162, MedGen C0027672, MeSH D009386, MONDO:0015356.
Familial cancer of breast. Also called: BREAST CANCER, FAMILIAL; Hereditary breast cancer; hereditary breast carcinoma. Identifiers: Orphanet 227535, MedGen C0346153, MONDO:0016419, OMIM 114480. Disease mechanism: loss of function.

Submissions (2):

Ambry Genetics
Classification: Pathogenic for Hereditary cancer-predisposing syndrome. Last evaluated: 2024-04-27. Review status: criteria provided, single submitter. Criteria: Ambry Variant Classification Scheme 2023. Collection method: clinical testing. Allele origin: germline.
Comment: The p.Q87* variant (also known as c.259C>T), located in coding exon 3 of the ATM gene, results from a C to T substitution at nucleotide position 259. This changes the amino acid from a glutamine to a stop codon within coding exon 3. This alteration is expected to result in loss of function by premature protein truncation or nonsense-mediated mRNA decay. As such, this alteration is interpreted as a disease-causing mutation.

Baylor Genetics
Classification: Likely pathogenic for Familial cancer of breast. Last evaluated: 2024-03-03. Review status: criteria provided, single submitter. Criteria: ACMG Guidelines, 2015. Collection method: clinical testing. Allele origin: unknown.